The following is an entry in ClinVar:

ClinVar aggregate classification (germline): Uncertain significance (1 of 4 stars; one submission).

Conditions:
Atypical hemolytic-uremic syndrome. Identifiers: Orphanet 2134, MedGen C2931788, MONDO:0016244.
Basal laminar drusen. Also called: DRUSEN OF BRUCH MEMBRANE; DRUSEN, CUTICULAR; DRUSEN, EARLY ADULT-ONSET, GROUPED. Identifiers: Orphanet 75376, MedGen C0730295, MONDO:0007472, OMIM 126700.
Factor H deficiency (CFHD). Also called: COMPLEMENT FACTOR H DEFICIENCY; CFH DEFICIENCY. Identifiers: Orphanet 200421, MedGen C0398777, MONDO:0012350, OMIM 609814.
Age related macular degeneration 4. Identifiers: MedGen C1853147, MONDO:0012540, OMIM 610698.

Submission:

Genomenon, Inc
Classification: Uncertain significance for Basal laminar drusen; Age related macular degeneration 4; Atypical hemolytic-uremic syndrome; Factor H deficiency. Last evaluated: 2025-10-02. Review status: criteria provided, single submitter. Criteria: Genomenon Sequence Variant Interpretation Standards - Updated. Collection method: curation. Allele origin: germline. Affected: no.
Comment: CFH p.Glu253Ala (c.758A>C) is a missense variant that changes the amino acid at residue 253 from Glutamic acid to Alanine. This variant has been reported in the published literature (PMID:21683447). It is absent or not present at a significant frequency in gnomAD. In silico models agree that this variant is not damaging. In conclusion, we classify CFH p.Glu253Ala (c.758A>C) as a variant of uncertain significance.

Literature cited by the submitters: PubMed 21683447.

NM_000186.4(CFH):c.758A>C (p.Glu253Ala)

Gene: CFH (complement factor H; plus strand). Cytogenetic location: 1q31.3.
Variant type: single nucleotide variant.
Coding change: c.758A>C on transcript NM_000186.4 (MANE Select); coding-DNA position 758, A replaced by C.
Protein change: p.Glu253Ala; replaces glutamic acid 253 with alanine.
Molecular consequence: missense variant.
Genome position (GRCh38, 1-based): chr1:196,679,761, A>C. VCF-style: chr1-196679761-A-C. GRCh37 (hg19) VCF-style: chr1-196648891-A-C.
Other names: c.758A>C, p.Glu253Ala (NM_001014975.3); short protein forms E253A.
Identifiers: ClinVar variation 4291327 (VCV004291327.1).